The following is an entry in ClinVar:

NM_002655.3(PLAG1):c.1367dup (p.Gln459fs)

Gene: PLAG1 (PLAG1 zinc finger; minus strand). Cytogenetic location: 8q12.1.
Variant type: Duplication.
Coding change: c.1367dup on transcript NM_002655.3 (MANE Select); coding-DNA position 1367, one base duplicated (T; older notation c.1367dupT).
Protein change: p.Gln459fs; shifts the reading frame from glutamine 459.
Molecular consequence: frameshift variant.
Genome position (GRCh38, 1-based): chr8:56,166,379, A duplicated on the plus strand (T on the coding strand, the reverse complement: PLAG1 is on the minus strand). VCF-style (leftmost placement, unchanged base first): chr8-56166378-G-GA. GRCh37 (hg19) VCF-style: chr8-57078937-G-GA.
Other names: c.1367dup, p.Gln459fs (NM_001114634.2); c.1121dup, p.Gln377fs (NM_001114635.2); short protein forms Q377fs, Q459fs.
Identifiers: ClinVar variation 1309069 (VCV001309069.2), dbSNP rs2129224231, ClinGen allele CA2573053025.

ClinVar aggregate classification (germline): Uncertain significance (1 of 4 stars; one submission).

Submission:

GeneDx
Classification: Uncertain significance. Last evaluated: 2019-10-02. Review status: criteria provided, single submitter. Criteria: GeneDx Variant Classification Process June 2021. Collection method: clinical testing. Allele origin: germline. Affected: yes.
Comment: Not observed in large population cohorts (Lek et al., 2016); Frameshift variant predicted to result in protein extension as the last 42 amino acids are lost and replaced with 72 incorrect amino acids; Has not been previously published as pathogenic or benign to our knowledge; Variants in candidate genes are classified as variants of uncertain significance in accordance with ACMG guidelines (Richards et al., 2015)